The following is an entry in ClinVar:

ClinVar aggregate classification (germline): Uncertain significance (1 of 4 stars; one submission).

Allele frequency attached by ClinVar (database versions not stated): 1000 Genomes Project 30x 0.00031; TOPMed 0.00001.
gnomAD v4.1: 3 of 1,544,198 alleles (0.00019%); highest among the groups gnomAD compares: East Asian, 0.0024%; no homozygotes.

Submission:

Labcorp Genetics (formerly Invitae), Labcorp
Classification: Uncertain significance. Last evaluated: 2022-09-06. Review status: criteria provided, single submitter. Criteria: Invitae Variant Classification Sherloc (09022015). Collection method: clinical testing. Allele origin: germline.
Comment: This variant is not present in population databases (gnomAD no frequency). This sequence change replaces arginine, which is basic and polar, with histidine, which is basic and polar, at codon 222 of the DGKZ protein (p.Arg222His). This variant has not been reported in the literature in individuals affected with DGKZ-related conditions. Algorithms developed to predict the effect of missense changes on protein structure and function are either unavailable or do not agree on the potential impact of this missense change (SIFT: "Tolerated"; PolyPhen-2: "Possibly Damaging"; Align-GVGD: "Class C0"). In summary, the available evidence is currently insufficient to determine the role of this variant in disease. Therefore, it has been classified as a Variant of Uncertain Significance.

NM_001199267.2(DGKZ):c.162-370G>A

Gene: DGKZ (diacylglycerol kinase zeta; plus strand). Cytogenetic location: 11p11.2.
Variant type: single nucleotide variant.
Coding change: c.162-370G>A on transcript NM_001199267.2 (MANE Select); 370 bases into the intron before coding-DNA position 162, G replaced by A.
Molecular consequence: intron variant. On other transcripts: missense variant (1).
Genome position (GRCh38, 1-based): chr11:46,366,921, G>A. VCF-style: chr11-46366921-G-A. GRCh37 (hg19) VCF-style: chr11-46388471-G-A.
Other names: c.665G>A, p.Arg222His (NM_001105540.2); c.213-370G>A (NM_201532.3); c.177-370G>A (NM_201533.3); c.162-370G>A (NM_001199266.2, NM_003646.4, NM_001199268.2); short protein forms R222H.
Identifiers: ClinVar variation 2063725 (VCV002063725.4), dbSNP rs1051860677, ClinGen allele CA221603960.